The following is an entry in ClinVar:

NM_004281.4(BAG3):c.322G>A (p.Val108Met)

Gene: BAG3 (BAG cochaperone 3; plus strand). Cytogenetic location: 10q26.11.
Variant type: single nucleotide variant.
Coding change: c.322G>A on transcript NM_004281.4 (MANE Select); coding-DNA position 322, G replaced by A.
Protein change: p.Val108Met; replaces valine 108 with methionine.
Molecular consequence: missense variant.
Genome position (GRCh38, 1-based): chr10:119,669,992, G>A. VCF-style: chr10-119669992-G-A. GRCh37 (hg19) VCF-style: chr10-121429504-G-A.
Other names: short protein forms V108M.
Identifiers: ClinVar variation 180281 (VCV000180281.10), dbSNP rs730880053, ClinGen allele CA346194.

ClinVar aggregate classification (germline): Uncertain significance. Review status: criteria provided, multiple submitters, no conflicts (2 of 4 stars). 3 submissions from 3 submitters: Uncertain significance (3). Last evaluated 2026-09-11.

Conditions:
Cardiovascular phenotype. Identifiers: MedGen CN230736.
Myofibrillar myopathy 6. Identifiers: Orphanet 199340, MedGen C2751831, MONDO:0013061, OMIM 612954.
Dilated cardiomyopathy 1HH (CMD1HH). Identifiers: Orphanet 154, MedGen C3151293, MONDO:0013479, OMIM 613881.

Allele frequency attached by ClinVar (database versions not stated): gnomAD exomes 0.00002; gnomAD 0.00001.
gnomAD v4.1: 13 of 1,614,126 alleles (0.00081%); highest among the groups gnomAD compares: Non-Finnish European, 0.0011%; no homozygotes.

Submissions (3):

Ambry Genetics
Classification: Uncertain significance for Cardiovascular phenotype. Last evaluated: 2026-09-11. Review status: criteria provided, single submitter. Criteria: Ambry Variant Classification Scheme 2023. Collection method: clinical testing. Allele origin: germline.
Comment: The p.V108M variant (also known as c.322G>A), located in coding exon 2 of the BAG3 gene, results from a G to A substitution at nucleotide position 322. The valine at codon 108 is replaced by methionine, an amino acid with highly similar properties. This amino acid position is conserved. In addition, this alteration is predicted to be tolerated by in silico analysis. Based on the available evidence, the clinical significance of this variant remains unclear.

Labcorp Genetics (formerly Invitae), Labcorp
Classification: Uncertain significance for Dilated cardiomyopathy 1HH; Myofibrillar myopathy 6. Last evaluated: 2025-08-25. Review status: criteria provided, single submitter. Criteria: Invitae Variant Classification Sherloc (09022015). Collection method: clinical testing. Allele origin: germline.
Comment: This sequence change replaces valine, which is neutral and non-polar, with methionine, which is neutral and non-polar, at codon 108 of the BAG3 protein (p.Val108Met). This variant is present in population databases (rs730880053, gnomAD 0.006%). This variant has not been reported in the literature in individuals affected with BAG3-related conditions. ClinVar contains an entry for this variant (Variation ID: 180281). Invitae Evidence Modeling of protein sequence and biophysical properties (such as structural, functional, and spatial information, amino acid conservation, physicochemical variation, residue mobility, and thermodynamic stability) indicates that this missense variant is not expected to disrupt BAG3 protein function with a negative predictive value of 80%. In summary, the available evidence is currently insufficient to determine the role of this variant in disease. Therefore, it has been classified as a Variant of Uncertain Significance.

Fulgent Genetics
Classification: Uncertain significance for Myofibrillar myopathy 6; Dilated cardiomyopathy 1HH. Last evaluated: 2021-09-01. Review status: criteria provided, single submitter. Criteria: ACMG Guidelines, 2015. Collection method: clinical testing. Allele origin: unknown.